The following is an entry in ClinVar:

ClinVar aggregate classification (germline): Uncertain significance (1 of 4 stars; one submission).

Conditions:
Inborn genetic diseases. Identifiers: MedGen C0950123, MeSH D030342.

Submission:

Ambry Genetics
Classification: Uncertain significance for Inborn genetic diseases. Last evaluated: 2025-08-23. Review status: criteria provided, single submitter. Criteria: Ambry Variant Classification Scheme 2023. Collection method: clinical testing. Allele origin: germline.
Comment: The p.R299T variant (also known as c.896G>C), located in coding exon 5 of the ETV6 gene, results from a G to C substitution at nucleotide position 896. The arginine at codon 299 is replaced by threonine, an amino acid with similar properties. This amino acid position is conserved. In addition, this alteration is predicted to be tolerated by in silico analysis. Based on the available evidence, the clinical significance of this variant remains unclear.

NM_001987.5(ETV6):c.896G>C (p.Arg299Thr)

Gene: ETV6 (ETS variant transcription factor 6; plus strand). Cytogenetic location: 12p13.2.
Variant type: single nucleotide variant.
Coding change: c.896G>C on transcript NM_001987.5 (MANE Select); coding-DNA position 896, G replaced by C.
Protein change: p.Arg299Thr; replaces arginine 299 with threonine.
Molecular consequence: missense variant.
Genome position (GRCh38, 1-based): chr12:11,869,856, G>C. VCF-style: chr12-11869856-G-C. GRCh37 (hg19) VCF-style: chr12-12022790-G-C.
Other names: c.893G>C, p.Arg298Thr (NM_001413913.1); c.869G>C, p.Arg290Thr (NM_001413914.1); c.632G>C, p.Arg211Thr (NM_001413915.1); c.896G>C, p.Arg299Thr (NM_001413916.1, NM_001413917.1); short protein forms R290T, R298T, R299T, R211T.
Identifiers: ClinVar variation 4251484 (VCV004251484.1).